The following is an entry in ClinVar:

NM_000264.5(PTCH1):c.1593C>T (p.Ile531=)

Gene: PTCH1 (patched 1; minus strand). Cytogenetic location: 9q22.32.
Variant type: single nucleotide variant.
Coding change: c.1593C>T on transcript NM_000264.5 (MANE Select); coding-DNA position 1593, C replaced by T.
Protein change: p.Ile531=; no amino-acid change (isoleucine 531 retained).
Molecular consequence: synonymous variant. On other transcripts: non-coding transcript variant (1).
Genome position (GRCh38, 1-based): chr9:95,476,768, G>A on the plus strand (C>T on the coding strand, the complement: PTCH1 is on the minus strand). VCF-style: chr9-95476768-G-A. GRCh37 (hg19) VCF-style: chr9-98239050-G-A.
Other names: c.1395C>T, p.Ile465= (NM_001083602.3); c.1590C>T, p.Ile530= (NM_001083603.3); c.1140C>T, p.Ile380= (NM_001083604.3, NM_001083605.3, NM_001083606.3 and 1 more transcripts); c.1437C>T, p.Ile479= (NM_001354918.2).
Identifiers: ClinVar variation 135873 (VCV000135873.19), dbSNP rs587780694, ClinGen allele CA332463.

ClinVar aggregate classification (germline): Likely benign. Review status: criteria provided, multiple submitters, no conflicts (2 of 4 stars). 4 submissions from 4 submitters: Likely benign (3). 1 of the submissions does not count toward it. Last evaluated 2025-12-29.

Conditions:
Hereditary cancer-predisposing syndrome. Also called: Tumor predisposition; Hereditary neoplastic syndrome; Neoplastic Syndromes, Hereditary; Hereditary Cancer Syndrome. Identifiers: Orphanet 140162, MedGen C0027672, MeSH D009386, MONDO:0015356.
Gorlin syndrome. Also called: Nevoid Basal Cell Carcinoma Syndrome; Basal cell nevus syndrome. Identifiers: Orphanet 377, MedGen C0004779, MONDO:0007187.
PTCH1-related disorder. Also called: PTCH1-related disorders; PTCH1-related condition.

Allele frequency attached by ClinVar (database versions not stated): TOPMed 0.00001; gnomAD 0.00002; gnomAD exomes 0.00002; ExAC 0.00003.
gnomAD v4.1: 31 of 1,613,454 alleles (0.0019%); highest among the groups gnomAD compares: Middle Eastern, 0.016%; no homozygotes.

Submissions (4):

Center for Genomic Medicine, Rigshospitalet, Copenhagen University Hospital
Classification: Likely benign. Last evaluated: 2025-12-29. Review status: criteria provided, single submitter. Criteria: ACMG Guidelines, 2015. Collection method: clinical testing. Allele origin: germline.

Labcorp Genetics (formerly Invitae), Labcorp
Classification: Likely benign for Gorlin syndrome. Last evaluated: 2025-12-21. Review status: criteria provided, single submitter. Criteria: Invitae Variant Classification Sherloc (09022015). Collection method: clinical testing. Allele origin: germline.

Ambry Genetics
Classification: Likely benign for Hereditary cancer-predisposing syndrome. Last evaluated: 2018-09-29. Review status: criteria provided, single submitter. Criteria: Ambry Variant Classification Scheme 2023. Collection method: clinical testing. Allele origin: germline.

PreventionGenetics, part of Exact Sciences
Classification: Likely benign for PTCH1-related condition. Last evaluated: 2022-10-19. Review status: no assertion criteria provided. Collection method: clinical testing. Allele origin: germline. Not counted in ClinVar's aggregate classification.
Comment: This variant is classified as likely benign based on ACMG/AMP sequence variant interpretation guidelines (Richards et al. 2015 PMID: 25741868, with internal and published modifications).